The following is an entry in ClinVar:

NM_001430.5(EPAS1):c.501C>G (p.Asp167Glu)

Genes: EPAS1 (endothelial PAS domain protein 1; plus strand), LOC126806210 (BRD4-independent group 4 enhancer GRCh37_chr2:46587586-46588785; plus strand). Cytogenetic location: 2p21.
Variant type: single nucleotide variant.
Coding change: c.501C>G on transcript NM_001430.5 (MANE Select); coding-DNA position 501, C replaced by G.
Protein change: p.Asp167Glu; replaces aspartic acid 167 with glutamic acid.
Molecular consequence: missense variant.
Genome position (GRCh38, 1-based): chr2:46,360,684, C>G. VCF-style: chr2-46360684-C-G. GRCh37 (hg19) VCF-style: chr2-46587823-C-G.
Other names: short protein forms D167E.
Identifiers: ClinVar variation 1744808 (VCV001744808.4), dbSNP rs2546454949, ClinGen allele CA346699131.

ClinVar aggregate classification (germline): Uncertain significance. Review status: criteria provided, multiple submitters, no conflicts (2 of 4 stars). 2 submissions from 2 submitters: Uncertain significance (2). Last evaluated 2024-11-15.

Conditions:
Inborn genetic diseases. Identifiers: MedGen C0950123, MeSH D030342.

Submissions (2):

Labcorp Genetics (formerly Invitae), Labcorp
Classification: Uncertain significance. Last evaluated: 2024-11-15. Review status: criteria provided, single submitter. Criteria: Invitae Variant Classification Sherloc (09022015). Collection method: clinical testing. Allele origin: germline.
Comment: This sequence change replaces aspartic acid, which is acidic and polar, with glutamic acid, which is acidic and polar, at codon 167 of the EPAS1 protein (p.Asp167Glu). This variant is not present in population databases (gnomAD no frequency). This variant has not been reported in the literature in individuals affected with EPAS1-related conditions. ClinVar contains an entry for this variant (Variation ID: 1744808). An algorithm developed to predict the effect of missense changes on protein structure and function (PolyPhen-2) suggests that this variant is likely to be disruptive. In summary, the available evidence is currently insufficient to determine the role of this variant in disease. Therefore, it has been classified as a Variant of Uncertain Significance.

Ambry Genetics
Classification: Uncertain significance for Inborn genetic diseases. Last evaluated: 2022-02-07. Review status: criteria provided, single submitter. Criteria: Ambry Variant Classification Scheme 2023. Collection method: clinical testing. Allele origin: germline.
Comment: The p.D167E variant (also known as c.501C>G), located in coding exon 5 of the EPAS1 gene, results from a C to G substitution at nucleotide position 501. The aspartic acid at codon 167 is replaced by glutamic acid, an amino acid with highly similar properties. This amino acid position is conserved. In addition, this alteration is predicted to be tolerated by in silico analysis. Since supporting evidence is limited at this time, the clinical significance of this alteration remains unclear.